The following is an entry in ClinVar:

ClinVar aggregate classification (germline): Uncertain significance (1 of 4 stars; one submission).

Conditions:
Severe combined immunodeficiency due to IKK2 deficiency. Also called: Immunodeficiency 15; IMMUNODEFICIENCY 15B. Identifiers: Orphanet 397787, MedGen C4747743, MONDO:0014267, OMIM 615592.

gnomAD v4.1: 1 of 1,614,216 alleles (0.000062%); highest among the groups gnomAD compares: Non-Finnish European, 0.000085%; no homozygotes.

Submission:

Labcorp Genetics (formerly Invitae), Labcorp
Classification: Uncertain significance for Severe combined immunodeficiency due to IKK2 deficiency. Last evaluated: 2025-07-22. Review status: criteria provided, single submitter. Criteria: Invitae Variant Classification Sherloc (09022015). Collection method: clinical testing. Allele origin: germline.
Comment: This sequence change replaces lysine, which is basic and polar, with asparagine, which is neutral and polar, at codon 704 of the IKBKB protein (p.Lys704Asn). This variant is present in population databases (no rsID available, gnomAD 0.002%). This variant has not been reported in the literature in individuals affected with IKBKB-related conditions. An algorithm developed to predict the effect of missense changes on protein structure and function (PolyPhen-2) suggests that this variant is likely to be tolerated. In summary, the available evidence is currently insufficient to determine the role of this variant in disease. Therefore, it has been classified as a Variant of Uncertain Significance.

NM_001556.3(IKBKB):c.2112G>T (p.Lys704Asn)

Gene: IKBKB (inhibitor of nuclear factor kappa B kinase subunit beta; plus strand). Cytogenetic location: 8p11.21.
Variant type: single nucleotide variant.
Coding change: c.2112G>T on transcript NM_001556.3 (MANE Select); coding-DNA position 2112, G replaced by T.
Protein change: p.Lys704Asn; replaces lysine 704 with asparagine.
Molecular consequence: missense variant. On other transcripts: non-coding transcript variant (3).
Genome position (GRCh38, 1-based): chr8:42,326,095, G>T. VCF-style: chr8-42326095-G-T. GRCh37 (hg19) VCF-style: chr8-42183613-G-T.
Other names: c.1920G>T, p.Lys640Asn (NM_001190720.3); c.1935G>T, p.Lys645Asn (NM_001242778.2); short protein forms K645N, K704N, K640N.
Identifiers: ClinVar variation 4711227 (VCV004711227.1).